The following is an entry in ClinVar:

NM_001365999.1(SZT2):c.7517G>A (p.Arg2506Gln)

Gene: SZT2 (SZT2 subunit of KICSTOR complex; plus strand). Cytogenetic location: 1p34.2.
Variant type: single nucleotide variant.
Coding change: c.7517G>A on transcript NM_001365999.1 (MANE Select); coding-DNA position 7517, G replaced by A.
Protein change: p.Arg2506Gln; replaces arginine 2506 with glutamine.
Molecular consequence: missense variant.
Genome position (GRCh38, 1-based): chr1:43,441,509, G>A. VCF-style: chr1-43441509-G-A. GRCh37 (hg19) VCF-style: chr1-43907180-G-A.
Other names: p.Arg2449Gln; c.7346G>A, p.Arg2449Gln (NM_015284.4); short protein forms R2449Q, R2506Q.
Identifiers: ClinVar variation 1023403 (VCV001023403.8), dbSNP rs185048193, ClinGen allele CA810258.
Genomic context (GRCh38, chr1:43,441,509, plus strand): 5'-ATAAACATACAAGTGTCATGTATGGACATGAGGCTCTTACTCCCACTGTCTTCAGGCGCC[G>A]GACAACACAGCTAGAAGAGGGTGAGGTGGGGACCCTTCATCCTGTGTTTGCCCGTGTTGC-3'
Protein context (NP_001352928.1, residues 2496-2516): SDSGAQRQKR[Arg2506Gln]TTQLEEGEVG

ClinVar aggregate classification (germline): Uncertain significance. Review status: criteria provided, multiple submitters, no conflicts (2 of 4 stars). 2 submissions from 2 submitters: Uncertain significance (2). Last evaluated 2023-05-11.

Allele frequency attached by ClinVar (database versions not stated): gnomAD exomes 0.00002 and 0.00004; ExAC 0.00004; gnomAD 0.00004; TOPMed 0.00004; 1000 Genomes Project 30x 0.00016; 1000 Genomes Project 0.00020.
gnomAD v4.1: 34 of 1,613,582 alleles (0.0021%); highest among the groups gnomAD compares: Middle Eastern, 0.033%; no homozygotes.

Submissions (2):

Mayo Clinic Laboratories, Mayo Clinic
Classification: Uncertain significance. Last evaluated: 2023-05-11. Review status: criteria provided, single submitter. Criteria: ACMG Guidelines, 2015. Collection method: clinical testing. Allele origin: germline. Observed: 1 variant allele.
Comment: BP4

Labcorp Genetics (formerly Invitae), Labcorp
Classification: Uncertain significance. Last evaluated: 2022-11-15. Review status: criteria provided, single submitter. Criteria: Invitae Variant Classification Sherloc (09022015). Collection method: clinical testing. Allele origin: germline.
Comment: In summary, the available evidence is currently insufficient to determine the role of this variant in disease. Therefore, it has been classified as a Variant of Uncertain Significance. Advanced modeling of protein sequence and biophysical properties (such as structural, functional, and spatial information, amino acid conservation, physicochemical variation, residue mobility, and thermodynamic stability) performed at Invitae indicates that this missense variant is not expected to disrupt SZT2 protein function. ClinVar contains an entry for this variant (Variation ID: 1023403). This variant has not been reported in the literature in individuals affected with SZT2-related conditions. This variant is present in population databases (rs185048193, gnomAD 0.006%). This sequence change replaces arginine, which is basic and polar, with glutamine, which is neutral and polar, at codon 2449 of the SZT2 protein (p.Arg2449Gln).

Literature cited by the submitters: PubMed 35773235 (cited by Mayo Clinic Laboratories, Mayo Clinic).